The following is an entry in ClinVar:

ClinVar aggregate classification (germline): Uncertain significance. Review status: criteria provided, multiple submitters, no conflicts (2 of 4 stars). 2 submissions from 2 submitters: Uncertain significance (2). Last evaluated 2022-05-22.

Conditions:
Familial cancer of breast. Also called: Hereditary breast cancer; hereditary breast carcinoma; BREAST CANCER, FAMILIAL. Identifiers: Orphanet 227535, MedGen C0346153, MONDO:0016419, OMIM 114480. Disease mechanism: loss of function.
Fanconi anemia complementation group J. Also called: BRIP1-Related Fanconi Anemia. Identifiers: Orphanet 84, MedGen C1836860, MONDO:0012187, OMIM 609054.
Hereditary cancer-predisposing syndrome. Also called: Neoplastic Syndromes, Hereditary; Hereditary Cancer Syndrome; Hereditary neoplastic syndrome; Tumor predisposition. Identifiers: Orphanet 140162, MedGen C0027672, MeSH D009386, MONDO:0015356.

Submissions (2):

Labcorp Genetics (formerly Invitae), Labcorp
Classification: Uncertain significance for Familial cancer of breast; Fanconi anemia complementation group J. Last evaluated: 2022-05-22. Review status: criteria provided, single submitter. Criteria: Invitae Variant Classification Sherloc (09022015). Collection method: clinical testing. Allele origin: germline.
Comment: This sequence change replaces serine, which is neutral and polar, with phenylalanine, which is neutral and non-polar, at codon 1237 of the BRIP1 protein (p.Ser1237Phe). In summary, the available evidence is currently insufficient to determine the role of this variant in disease. Therefore, it has been classified as a Variant of Uncertain Significance. Algorithms developed to predict the effect of sequence changes on RNA splicing suggest that this variant may disrupt the consensus splice site. Algorithms developed to predict the effect of missense changes on protein structure and function output the following: SIFT: "Tolerated"; PolyPhen-2: "Possibly Damaging"; Align-GVGD: "Class C0". The phenylalanine amino acid residue is found in multiple mammalian species, which suggests that this missense change does not adversely affect protein function. ClinVar contains an entry for this variant (Variation ID: 141529). This variant has not been reported in the literature in individuals affected with BRIP1-related conditions. This variant is not present in population databases (gnomAD no frequency).

Ambry Genetics
Classification: Uncertain significance for Hereditary cancer-predisposing syndrome. Last evaluated: 2014-02-17. Review status: criteria provided, single submitter. Criteria: Ambry Autosomal Dominant and X-Linked criteria (10/2015). Collection method: clinical testing. Allele origin: germline. Observed: 1 variant allele.
Comment: The p.S1237F variant (also known as c.3710C>T), located in coding exon 19 of the BRIP1 gene, results from a C to T substitution at nucleotide position 3710. The serine at codon 1237 is replaced by phenylalanine, an amino acid with highly dissimilar properties. This variant was not reported in population based cohorts in the following databases: Database of Single Nucleotide Polymorphisms (dbSNP), NHLBI Exome Sequencing Project (ESP), and 1000 Genomes Project.To date, this alteration has been detected with an allele frequency of approximately 0.01% (greater than 9500 alleles tested) in our clinical cohort (includes this individual). Based on protein sequence alignment, thisamino acid position is not well conserved in available vertebrate species. In addition, this alteration is predicted to be benign and deleterious by PolyPhen and SIFT in silico analyses, respectively.Since supporting evidence is limited at this time, the clinical significance ofp.S1237Fremains unclear.

NM_032043.3(BRIP1):c.3710C>T (p.Ser1237Phe)

Gene: BRIP1 (BRCA1 interacting DNA helicase 1; minus strand). Cytogenetic location: 17q23.2.
Variant type: single nucleotide variant.
Coding change: c.3710C>T on transcript NM_032043.3 (MANE Select); coding-DNA position 3710, C replaced by T.
Protein change: p.Ser1237Phe; replaces serine 1237 with phenylalanine.
Molecular consequence: missense variant.
Genome position (GRCh38, 1-based): chr17:61,683,336, G>A on the plus strand (C>T on the coding strand, the complement: BRIP1 is on the minus strand). VCF-style: chr17-61683336-G-A. GRCh37 (hg19) VCF-style: chr17-59760697-G-A.
Other names: short protein forms S1237F.
Identifiers: ClinVar variation 141529 (VCV000141529.11), dbSNP rs587781819, ClinGen allele CA165696.